The following is an entry in ClinVar:

NM_014845.6(FIG4):c.1555A>G (p.Asn519Asp)

Gene: FIG4 (FIG4 phosphoinositide 5-phosphatase; plus strand). Cytogenetic location: 6q21.
Variant type: single nucleotide variant.
Coding change: c.1555A>G on transcript NM_014845.6 (MANE Select); coding-DNA position 1555, A replaced by G.
Protein change: p.Asn519Asp; replaces asparagine 519 with aspartic acid.
Molecular consequence: missense variant.
Genome position (GRCh38, 1-based): chr6:109,765,133, A>G. VCF-style: chr6-109765133-A-G. GRCh37 (hg19) VCF-style: chr6-110086336-A-G.
Other names: short protein forms N519D.
Identifiers: ClinVar variation 1358971 (VCV001358971.11), dbSNP rs374129146, ClinGen allele CA3956116.

ClinVar aggregate classification (germline): Uncertain significance. Review status: criteria provided, multiple submitters, no conflicts (2 of 4 stars). 3 submissions from 3 submitters: Uncertain significance (2). 1 of the submissions does not count toward it. Last evaluated 2022-06-12.

Conditions:
FIG4-related disorder. Also called: FIG4-related disorders; FIG4-related condition.
Inborn genetic diseases. Identifiers: MedGen C0950123, MeSH D030342.
Charcot-Marie-Tooth disease type 4. Also called: Charcot-Marie-Tooth disease, type IV; Charcot-Marie-Tooth, Type 4. Identifiers: Orphanet 64749, MedGen C4082197, MONDO:0018995.

Allele frequency attached by ClinVar (database versions not stated): gnomAD exomes below 0.00001; TOPMed below 0.00001; ExAC 0.00001; gnomAD 0.00001; ESP Exome Variant Server 0.00008.
gnomAD v4.1: 8 of 1,613,948 alleles (0.0005%); highest among the groups gnomAD compares: Non-Finnish European, 0.00059%; no homozygotes.

Submissions (3):

Ambry Genetics
Classification: Uncertain significance for Inborn genetic diseases. Last evaluated: 2022-06-12. Review status: criteria provided, single submitter. Criteria: Ambry Variant Classification Scheme 2023. Collection method: clinical testing. Allele origin: germline.
Comment: The p.N519D variant (also known as c.1555A>G), located in coding exon 14 of the FIG4 gene, results from an A to G substitution at nucleotide position 1555. The asparagine at codon 519 is replaced by aspartic acid, an amino acid with highly similar properties. This amino acid position is conserved. In addition, this alteration is predicted to be tolerated by in silico analysis. Since supporting evidence is limited at this time, the clinical significance of this alteration remains unclear.

Labcorp Genetics (formerly Invitae), Labcorp
Classification: Uncertain significance for Charcot-Marie-Tooth disease type 4. Last evaluated: 2021-08-29. Review status: criteria provided, single submitter. Criteria: Invitae Variant Classification Sherloc (09022015). Collection method: clinical testing. Allele origin: germline.
Comment: In summary, the available evidence is currently insufficient to determine the role of this variant in disease. Therefore, it has been classified as a Variant of Uncertain Significance. Algorithms developed to predict the effect of missense changes on protein structure and function (SIFT, PolyPhen-2, Align-GVGD) all suggest that this variant is likely to be tolerated, but these predictions have not been confirmed by published functional studies and their clinical significance is uncertain. This variant has not been reported in the literature in individuals with FIG4-related conditions. This variant is present in population databases (rs374129146, ExAC 0.001%). This sequence change replaces asparagine with aspartic acid at codon 519 of the FIG4 protein (p.Asn519Asp). The asparagine residue is moderately conserved and there is a small physicochemical difference between asparagine and aspartic acid.

PreventionGenetics, part of Exact Sciences
Classification: Uncertain significance for FIG4-related condition. Last evaluated: 2024-06-06. Review status: no assertion criteria provided. Collection method: clinical testing. Allele origin: germline. Not counted in ClinVar's aggregate classification.
Comment: The FIG4 c.1555A>G variant is predicted to result in the amino acid substitution p.Asn519Asp. To our knowledge, this variant has not been reported in the literature. This variant is reported in 0.00088% of alleles in individuals of European (Non-Finnish) descent in gnomAD. At this time, the clinical significance of this variant is uncertain due to the absence of conclusive functional and genetic evidence.